The following is an entry in ClinVar:

NM_030665.4(RAI1):c.4450A>G (p.Thr1484Ala)

Gene: RAI1 (retinoic acid induced 1; plus strand). Cytogenetic location: 17p11.2.
Variant type: single nucleotide variant.
Coding change: c.4450A>G on transcript NM_030665.4 (MANE Select); coding-DNA position 4450, A replaced by G.
Protein change: p.Thr1484Ala; replaces threonine 1484 with alanine.
Molecular consequence: missense variant.
Genome position (GRCh38, 1-based): chr17:17,797,398, A>G. VCF-style: chr17-17797398-A-G. GRCh37 (hg19) VCF-style: chr17-17700712-A-G.
Other names: short protein forms T1484A.
Identifiers: ClinVar variation 2115836 (VCV002115836.4), dbSNP rs1351078404, ClinGen allele CA398556620.

ClinVar aggregate classification (germline): Uncertain significance (1 of 4 stars; one submission).

Allele frequency attached by ClinVar (database versions not stated): TOPMed below 0.00001.

Submission:

Labcorp Genetics (formerly Invitae), Labcorp
Classification: Uncertain significance. Last evaluated: 2024-06-26. Review status: criteria provided, single submitter. Criteria: Invitae Variant Classification Sherloc (09022015). Collection method: clinical testing. Allele origin: germline.
Comment: This sequence change replaces threonine, which is neutral and polar, with alanine, which is neutral and non-polar, at codon 1484 of the RAI1 protein (p.Thr1484Ala). This variant is present in population databases (no rsID available, gnomAD no frequency). This variant has not been reported in the literature in individuals affected with RAI1-related conditions. ClinVar contains an entry for this variant (Variation ID: 2115836). Advanced modeling of protein sequence and biophysical properties (such as structural, functional, and spatial information, amino acid conservation, physicochemical variation, residue mobility, and thermodynamic stability) performed at Invitae indicates that this missense variant is not expected to disrupt RAI1 protein function with a negative predictive value of 80%. In summary, the available evidence is currently insufficient to determine the role of this variant in disease. Therefore, it has been classified as a Variant of Uncertain Significance.